The following is an entry in ClinVar:

ClinVar aggregate classification (germline): Likely benign (0 of 4 stars; one submission).

Conditions:
NIPBL-related disorder. Also called: NIPBL-related condition.

Allele frequency attached by ClinVar (database versions not stated): ExAC 0.00001.
gnomAD v4.1: 1 of 1,504,342 alleles (0.000066%); highest among the groups gnomAD compares: Non-Finnish European, 0.000093%; no homozygotes.

Submission:

PreventionGenetics, part of Exact Sciences
Classification: Likely benign for NIPBL-related condition. Last evaluated: 2019-09-24. Review status: no assertion criteria provided. Collection method: clinical testing. Allele origin: germline.
Comment: This variant is classified as likely benign based on ACMG/AMP sequence variant interpretation guidelines (Richards et al. 2015 PMID: 25741868, with internal and published modifications).

NM_133433.4(NIPBL):c.3855+8T>G

Gene: NIPBL (NIPBL cohesin loading factor; plus strand). Cytogenetic location: 5p13.2.
Variant type: single nucleotide variant.
Coding change: c.3855+8T>G on transcript NM_133433.4 (MANE Select); 8 bases into the intron after coding-DNA position 3855, T replaced by G.
Molecular consequence: intron variant.
Genome position (GRCh38, 1-based): chr5:37,003,355, T>G. VCF-style: chr5-37003355-T-G. GRCh37 (hg19) VCF-style: chr5-37003457-T-G.
Other names: c.3855+8T>G (NM_015384.5).
Identifiers: ClinVar variation 3040121 (VCV003040121.2), dbSNP rs748069330, ClinGen allele CA3236444.
Genomic context (GRCh38, chr5:37,003,355, plus strand): 5'-TCTTGGAGAAGAATATTCAGGATGGGTCAAAGCTTTCCACTTTGTTAAATCATGTAAGTT[T>G]AAGATCCATACTGTTAATTTTACCCTTAATGTTATTAAGATCTATAGTAGTCCCCCACTT-3'